The following is an entry in ClinVar:

ClinVar aggregate classification (germline): Uncertain significance. Review status: criteria provided, multiple submitters, no conflicts (2 of 4 stars). 2 submissions from 2 submitters: Uncertain significance (2). Last evaluated 2022-10-22.

Conditions:
Glycogen storage disease IXb (GSD9B). Also called: GLYCOGENOSIS OF LIVER AND MUSCLE, AUTOSOMAL RECESSIVE; GSD IXb; PHOSPHORYLASE KINASE DEFICIENCY OF LIVER AND MUSCLE, AUTOSOMAL RECESSIVE. Identifiers: Orphanet 79240, MedGen C0543514, MONDO:0009868, OMIM 261750.

Allele frequency attached by ClinVar (database versions not stated): gnomAD exomes 0.00003; ExAC 0.00004; gnomAD 0.00005 and 0.00006; TOPMed 0.00011.
gnomAD v4.1: 92 of 1,485,068 alleles (0.0062%); highest among the groups gnomAD compares: East Asian, 0.054%; 2 homozygotes.

Submissions (2):

Labcorp Genetics (formerly Invitae), Labcorp
Classification: Uncertain significance for Glycogen storage disease IXb. Last evaluated: 2022-10-22. Review status: criteria provided, single submitter. Criteria: Invitae Variant Classification Sherloc (09022015). Collection method: clinical testing. Allele origin: germline.
Comment: This sequence change replaces methionine, which is neutral and non-polar, with valine, which is neutral and non-polar, at codon 372 of the PHKB protein (p.Met372Val). This variant is present in population databases (rs758968989, gnomAD 0.01%). This variant has not been reported in the literature in individuals affected with PHKB-related conditions. ClinVar contains an entry for this variant (Variation ID: 1201740). Algorithms developed to predict the effect of missense changes on protein structure and function are either unavailable or do not agree on the potential impact of this missense change (SIFT: "Deleterious"; PolyPhen-2: "Benign"; Align-GVGD: "Class C0"). In summary, the available evidence is currently insufficient to determine the role of this variant in disease. Therefore, it has been classified as a Variant of Uncertain Significance.

GeneDx
Classification: Uncertain significance. Last evaluated: 2019-12-09. Review status: criteria provided, single submitter. Criteria: GeneDx Variant Classification Process June 2021. Collection method: clinical testing. Allele origin: germline. Affected: yes.
Comment: Has not been previously published as pathogenic or benign to our knowledge; In silico analysis, which includes protein predictors and evolutionary conservation, supports that this variant does not alter protein structure/function

NM_000293.3(PHKB):c.1114A>G (p.Met372Val)

Gene: PHKB (phosphorylase kinase regulatory subunit beta; plus strand). Cytogenetic location: 16q12.1.
Variant type: single nucleotide variant.
Coding change: c.1114A>G on transcript NM_000293.3 (MANE Select); coding-DNA position 1114, A replaced by G.
Protein change: p.Met372Val; replaces methionine 372 with valine.
Molecular consequence: missense variant.
Genome position (GRCh38, 1-based): chr16:47,593,545, A>G. VCF-style: chr16-47593545-A-G. GRCh37 (hg19) VCF-style: chr16-47627456-A-G.
Other names: c.1093A>G, p.Met365Val (NM_001031835.3); c.1114A>G, p.Met372Val (NM_001363837.1); short protein forms M365V, M372V.
Identifiers: ClinVar variation 1201740 (VCV001201740.5), dbSNP rs758968989, ClinGen allele CA8040693.